The following is an entry in ClinVar:

NM_020778.5(ALPK3):c.-24C>A

Gene: ALPK3 (alpha kinase 3; plus strand). Cytogenetic location: 15q25.3.
Variant type: single nucleotide variant.
Coding change: c.-24C>A on transcript NM_020778.5 (MANE Select); 24 bases upstream of the start codon, C replaced by A.
Molecular consequence: 5 prime UTR variant.
Genome position (GRCh38, 1-based): chr15:84,817,429, C>A. VCF-style: chr15-84817429-C-A. GRCh37 (hg19) VCF-style: chr15-85360660-C-A.
Identifiers: ClinVar variation 3660064 (VCV003660064.2).

ClinVar aggregate classification (germline): Uncertain significance (1 of 4 stars; one submission).

Submission:

Labcorp Genetics (formerly Invitae), Labcorp
Classification: Uncertain significance. Last evaluated: 2024-07-21. Review status: criteria provided, single submitter. Criteria: Invitae Variant Classification Sherloc (09022015). Collection method: clinical testing. Allele origin: germline.
Comment: This sequence change replaces proline, which is neutral and non-polar, with threonine, which is neutral and polar, at codon 195 of the ALPK3 protein (p.Pro195Thr). This variant is not present in population databases (gnomAD no frequency). This variant has not been reported in the literature in individuals affected with ALPK3-related conditions. An algorithm developed to predict the effect of missense changes on protein structure and function (PolyPhen-2) suggests that this variant is likely to be tolerated. In summary, the available evidence is currently insufficient to determine the role of this variant in disease. Therefore, it has been classified as a Variant of Uncertain Significance.